The following is an entry in ClinVar:

ClinVar aggregate classification (germline): Uncertain significance (1 of 4 stars; one submission).

Conditions:
Myopathy, proximal, and ophthalmoplegia (CMYO6). Also called: CONGENITAL MYOPATHY 6 WITH OPHTHALMOPLEGIA; MYOPATHY WITH CONGENITAL JOINT CONTRACTURES, OPHTHALMOPLEGIA, AND RIMMED VACUOLES; INCLUSION BODY MYOPATHY 3, AUTOSOMAL DOMINANT. Identifiers: Orphanet 363677, Orphanet 79091, MedGen C1854106, MONDO:0011577, OMIM 605637.

Submission:

Labcorp Genetics (formerly Invitae), Labcorp
Classification: Uncertain significance for Myopathy, proximal, and ophthalmoplegia. Last evaluated: 2023-03-10. Review status: criteria provided, single submitter. Criteria: Invitae Variant Classification Sherloc (09022015). Collection method: clinical testing. Allele origin: germline.
Comment: This variant has not been reported in the literature in individuals affected with MYH2-related conditions. This sequence change replaces threonine, which is neutral and polar, with isoleucine, which is neutral and non-polar, at codon 1659 of the MYH2 protein (p.Thr1659Ile). This variant is not present in population databases (gnomAD no frequency). Advanced modeling of protein sequence and biophysical properties (such as structural, functional, and spatial information, amino acid conservation, physicochemical variation, residue mobility, and thermodynamic stability) performed at Invitae indicates that this missense variant is not expected to disrupt MYH2 protein function. In summary, the available evidence is currently insufficient to determine the role of this variant in disease. Therefore, it has been classified as a Variant of Uncertain Significance.

NM_017534.6(MYH2):c.4976C>T (p.Thr1659Ile)

Genes: MYH2 (myosin heavy chain 2; minus strand), MYHAS (myosin heavy chain gene cluster antisense RNA; plus strand), LOC126862500 (BRD4-independent group 4 enhancer GRCh37_chr17:10427829-10429028; plus strand). Cytogenetic location: 17p13.1.
Variant type: single nucleotide variant.
Coding change: c.4976C>T on transcript NM_017534.6 (MANE Select); coding-DNA position 4976, C replaced by T.
Protein change: p.Thr1659Ile; replaces threonine 1659 with isoleucine.
Molecular consequence: missense variant.
Genome position (GRCh38, 1-based): chr17:10,524,665, G>A on the plus strand (C>T on the coding strand, the complement: MYH2 is on the minus strand). VCF-style: chr17-10524665-G-A. GRCh37 (hg19) VCF-style: chr17-10427982-G-A.
Other names: c.4976C>T, p.Thr1659Ile (NM_001100112.2); short protein forms T1659I.
Identifiers: ClinVar variation 2800959 (VCV002800959.3), dbSNP rs2508412784, ClinGen allele CA398120238.